The following is an entry in ClinVar:

NM_001111125.3(IQSEC2):c.2336_2337del (p.Gly779fs)

Gene: IQSEC2 (IQ motif and Sec7 domain ArfGEF 2; minus strand). Cytogenetic location: Xp11.22.
Variant type: Deletion.
Coding change: c.2336_2337del on transcript NM_001111125.3 (MANE Select); coding-DNA positions 2336 to 2337, 2 bases deleted (GC; older notation c.2336_2337delGC).
Protein change: p.Gly779fs; shifts the reading frame from glycine 779.
Molecular consequence: frameshift variant.
Genome position (GRCh38, 1-based): chrX:53,248,843-53,248,844, GC deleted on the plus strand (GC on the coding strand, the reverse complement: IQSEC2 is on the minus strand). VCF-style (leftmost placement, unchanged base first): chrX-53248842-AGC-A. GRCh37 (hg19) VCF-style: chrX-53278024-AGC-A.
Other names: c.1721_1722del, p.Gly574fs (NM_015075.2); short protein forms G574fs, G779fs.
Identifiers: ClinVar variation 1072485 (VCV001072485.9), dbSNP rs2147089642, ClinGen allele CA2499226786.

ClinVar aggregate classification (germline): Pathogenic (1 of 4 stars; one submission).

Conditions:
Intellectual developmental disorder, X-linked 1. Also called: Atkin Flaitz Patil Smith syndrome; Intellectual disability, X-linked 1; MENTAL RETARDATION, X-LINKED 18; MENTAL RETARDATION, X-LINKED 78. Identifiers: Orphanet 777, MedGen C2931498, MONDO:0010656, OMIM 309530.

Submission:

Labcorp Genetics (formerly Invitae), Labcorp
Classification: Pathogenic for Intellectual developmental disorder, X-linked 1. Last evaluated: 2022-06-27. Review status: criteria provided, single submitter. Criteria: Invitae Variant Classification Sherloc (09022015). Collection method: clinical testing. Allele origin: germline.
Comment: For these reasons, this variant has been classified as Pathogenic. ClinVar contains an entry for this variant (Variation ID: 1072485). This premature translational stop signal has been observed in individual(s) with clinical features of X-linked intellectual disability (Invitae). This variant is not present in population databases (gnomAD no frequency). This sequence change creates a premature translational stop signal (p.Gly779Valfs*46) in the IQSEC2 gene. It is expected to result in an absent or disrupted protein product. Loss-of-function variants in IQSEC2 are known to be pathogenic (PMID: 21686261, 26793055, 27665735).

Literature cited by the submitters: PubMed 21686261; PubMed 26793055; PubMed 27665735.